The following is an entry in ClinVar:

ClinVar aggregate classification (germline): Uncertain significance. Review status: criteria provided, multiple submitters, no conflicts (2 of 4 stars). 2 submissions from 2 submitters: Uncertain significance (2). Last evaluated 2024-12-23.

Conditions:
Inborn genetic diseases. Identifiers: MedGen C0950123, MeSH D030342.

Allele frequency attached by ClinVar (database versions not stated): ExAC 0.00003; gnomAD 0.00001; TOPMed 0.00001; gnomAD exomes 0.00002; ESP Exome Variant Server 0.00008.
gnomAD v4.1: 10 of 1,607,572 alleles (0.00062%); highest among the groups gnomAD compares: Non-Finnish European, 0.00076%; no homozygotes.

Submissions (2):

Ambry Genetics
Classification: Uncertain significance for Inborn genetic diseases. Last evaluated: 2024-12-23. Review status: criteria provided, single submitter. Criteria: Ambry Variant Classification Scheme 2023. Collection method: clinical testing. Allele origin: germline.

GeneDx
Classification: Uncertain significance. Last evaluated: 2019-10-29. Review status: criteria provided, single submitter. Criteria: GeneDx Variant Classification Process June 2021. Collection method: clinical testing. Allele origin: germline. Affected: yes.
Comment: Not observed at a significant frequency in large population cohorts (Lek et al., 2016); In silico analysis, which includes protein predictors and evolutionary conservation, supports that this variant does not alter protein structure/function; Has not been previously published as pathogenic or benign to our knowledge

NM_003922.4(HERC1):c.14012A>G (p.Asn4671Ser)

Gene: HERC1 (HECT and RLD domain containing E3 ubiquitin protein ligase family member 1; minus strand). Cytogenetic location: 15q22.31.
Variant type: single nucleotide variant.
Coding change: c.14012A>G on transcript NM_003922.4 (MANE Select); coding-DNA position 14012, A replaced by G.
Protein change: p.Asn4671Ser; replaces asparagine 4671 with serine.
Molecular consequence: missense variant.
Genome position (GRCh38, 1-based): chr15:63,615,850, T>C on the plus strand (A>G on the coding strand, the complement: HERC1 is on the minus strand). VCF-style: chr15-63615850-T-C. GRCh37 (hg19) VCF-style: chr15-63908049-T-C.
Other names: short protein forms N4671S.
Identifiers: ClinVar variation 1315861 (VCV001315861.5), dbSNP rs374739089, ClinGen allele CA7603587.